The following is an entry in ClinVar:

ClinVar aggregate classification (germline): Likely pathogenic (1 of 4 stars; one submission).

Conditions:
Charcot-Marie-Tooth disease type 2. Also called: Charcot-Marie-Tooth type 2. Identifiers: Orphanet 64746, MedGen C0270914, MONDO:0018993.

Submission:

Labcorp Genetics (formerly Invitae), Labcorp
Classification: Likely pathogenic for Charcot-Marie-Tooth disease type 2. Last evaluated: 2025-03-17. Review status: criteria provided, single submitter. Criteria: Invitae Variant Classification Sherloc (09022015). Collection method: clinical testing. Allele origin: germline.
Comment: This sequence change replaces isoleucine, which is neutral and non-polar, with threonine, which is neutral and polar, at codon 255 of the MFN2 protein (p.Ile255Thr). This variant is not present in population databases (gnomAD no frequency). This missense change has been observed in individual(s) with Charcot-Marie-Tooth disease (internal data). ClinVar contains an entry for this variant (Variation ID: 2122398). Invitae Evidence Modeling of protein sequence and biophysical properties (such as structural, functional, and spatial information, amino acid conservation, physicochemical variation, residue mobility, and thermodynamic stability) indicates that this missense variant is expected to disrupt MFN2 protein function with a positive predictive value of 95%. This variant disrupts the p.Ile255 amino acid residue in MFN2. Other variant(s) that disrupt this residue have been determined to be pathogenic (internal data). This suggests that this residue is clinically significant, and that variants that disrupt this residue are likely to be disease-causing. In summary, the currently available evidence indicates that the variant is pathogenic, but additional data are needed to prove that conclusively. Therefore, this variant has been classified as Likely Pathogenic.

NM_014874.4(MFN2):c.764T>C (p.Ile255Thr)

Gene: MFN2 (mitofusin 2; plus strand). Cytogenetic location: 1p36.22.
Variant type: single nucleotide variant.
Coding change: c.764T>C on transcript NM_014874.4 (MANE Select); coding-DNA position 764, T replaced by C.
Protein change: p.Ile255Thr; replaces isoleucine 255 with threonine.
Molecular consequence: missense variant.
Genome position (GRCh38, 1-based): chr1:11,999,043, T>C. VCF-style: chr1-11999043-T-C. GRCh37 (hg19) VCF-style: chr1-12059100-T-C.
Other names: c.764T>C, p.Ile255Thr (NM_001127660.2); short protein forms I255T.
Identifiers: ClinVar variation 2122398 (VCV002122398.4), dbSNP rs2523037323, ClinGen allele CA338439185.